The following is an entry in ClinVar:

NM_000059.4(BRCA2):c.1921T>G (p.Ser641Ala)

Gene: BRCA2 (BRCA2 DNA repair associated; plus strand). Cytogenetic location: 13q13.1.
Variant type: single nucleotide variant.
Coding change: c.1921T>G on transcript NM_000059.4 (MANE Select); coding-DNA position 1921, T replaced by G.
Protein change: p.Ser641Ala; replaces serine 641 with alanine.
Molecular consequence: missense variant.
Genome position (GRCh38, 1-based): chr13:32,336,276, T>G. VCF-style: chr13-32336276-T-G. GRCh37 (hg19) VCF-style: chr13-32910413-T-G.
Other names: short protein forms S641A.
Identifiers: ClinVar variation 938669 (VCV000938669.11), dbSNP rs2072446928, ClinGen allele CA387768255.
Genomic context (GRCh38, chr13:32,336,276, plus strand): 5'-ATGTGATTGATGGTACTTTAATTTTGTCACTTTGTGTTTTTATGTTTAGGTTTATTGCAT[T>G]CTTCTGTGAAAAGAAGCTGTTCACAGAATGATTCTGAAGAACCAACTTTGTCCTTAACTA-3'
Protein context (NP_000050.3, residues 631-651): FANADSGLLH[Ser641Ala]SVKRSCSQND

ClinVar aggregate classification (germline): Conflicting classifications of pathogenicity. Review status: criteria provided, conflicting classifications (1 of 4 stars). 2 submissions from 2 submitters: Uncertain significance (1); Likely benign (1). Last evaluated 2024-04-15.

Conditions:
Hereditary breast ovarian cancer syndrome. Also called: BRCA1- and BRCA2-Associated Hereditary Breast and Ovarian Cancer; Hereditary breast and/or ovarian cancer syndrome; Hereditary breast and ovarian cancer syndrome; Hereditary breast and ovarian cancer; Breast and ovarian cancer; Hereditary breast and ovarian cancer syndrome (HBOC). Identifiers: Orphanet 145, MedGen C0677776, MeSH D061325, MONDO:0003582. Disease mechanism: loss of function.
Hereditary cancer-predisposing syndrome. Also called: Tumor predisposition; Hereditary neoplastic syndrome; Hereditary Cancer Syndrome; Neoplastic Syndromes, Hereditary. Identifiers: Orphanet 140162, MedGen C0027672, MeSH D009386, MONDO:0015356.

Submissions (2):

Labcorp Genetics (formerly Invitae), Labcorp
Classification: Uncertain significance for Hereditary breast ovarian cancer syndrome. Last evaluated: 2024-04-15. Review status: criteria provided, single submitter. Criteria: Invitae Variant Classification Sherloc (09022015). Collection method: clinical testing. Allele origin: germline.
Comment: This sequence change replaces serine, which is neutral and polar, with alanine, which is neutral and non-polar, at codon 641 of the BRCA2 protein (p.Ser641Ala). This variant is not present in population databases (gnomAD no frequency). This variant has not been reported in the literature in individuals affected with BRCA2-related conditions. ClinVar contains an entry for this variant (Variation ID: 938669). Advanced modeling of protein sequence and biophysical properties (such as structural, functional, and spatial information, amino acid conservation, physicochemical variation, residue mobility, and thermodynamic stability) performed at Invitae indicates that this missense variant is not expected to disrupt BRCA2 protein function with a negative predictive value of 95%. In summary, the available evidence is currently insufficient to determine the role of this variant in disease. Therefore, it has been classified as a Variant of Uncertain Significance.

University of Washington Department of Laboratory Medicine, University of Washington
Classification: Likely benign for Hereditary cancer-predisposing syndrome. Last evaluated: 2023-03-23. Review status: criteria provided, single submitter. Criteria: Dines et al. (Genet Med. 2020). Collection method: curation. Allele origin: germline.
Comment: Missense variant in a coldspot region where missense variants are very unlikely to be pathogenic (PMID:31911673).

BRCA2 exon 11 coldspot. Reclassification based on statistical prior probability.